The following is an entry in ClinVar:

ClinVar aggregate classification (germline): Likely benign. Review status: criteria provided, multiple submitters, no conflicts (2 of 4 stars). 3 submissions from 3 submitters: Likely benign (2). 1 of the submissions does not count toward it. Last evaluated 2025-08-03.

Conditions:
Hyperinsulinism-hyperammonemia syndrome (HHF6). Identifiers: Orphanet 35878, MedGen C1847555, MONDO:0011717, OMIM 606762.
GLUD1-related disorder. Also called: GLUD1-related condition.
Inborn genetic diseases. Identifiers: MedGen C0950123, MeSH D030342.

Allele frequency attached by ClinVar (database versions not stated): gnomAD exomes below 0.00001 and 0.00001; ExAC 0.00002; gnomAD 0.00007 and 0.00009; TOPMed 0.00021.
gnomAD v4.1: 16 of 1,605,298 alleles (0.001%); highest among the groups gnomAD compares: Admixed American, 0.022%; no homozygotes.

Submissions (3):

Ambry Genetics
Classification: Likely benign for Inborn genetic diseases. Last evaluated: 2025-08-03. Review status: criteria provided, single submitter. Criteria: Ambry Variant Classification Scheme 2023. Collection method: clinical testing. Allele origin: germline.

Labcorp Genetics (formerly Invitae), Labcorp
Classification: Likely benign for Hyperinsulinism-hyperammonemia syndrome. Last evaluated: 2022-12-02. Review status: criteria provided, single submitter. Criteria: Invitae Variant Classification Sherloc (09022015). Collection method: clinical testing. Allele origin: germline.

PreventionGenetics, part of Exact Sciences
Classification: Likely benign for GLUD1-related condition. Last evaluated: 2022-06-07. Review status: no assertion criteria provided. Collection method: clinical testing. Allele origin: germline. Not counted in ClinVar's aggregate classification.
Comment: This variant is classified as likely benign based on ACMG/AMP sequence variant interpretation guidelines (Richards et al. 2015 PMID: 25741868, with internal and published modifications).

NM_005271.5(GLUD1):c.468G>A (p.Val156=)

Gene: GLUD1 (glutamate dehydrogenase 1; minus strand). Cytogenetic location: 10q23.2.
Variant type: single nucleotide variant.
Coding change: c.468G>A on transcript NM_005271.5 (MANE Select); coding-DNA position 468, G replaced by A.
Protein change: p.Val156=; no amino-acid change (valine 156 retained).
Molecular consequence: synonymous variant. On other transcripts: 5 prime UTR variant (5).
Genome position (GRCh38, 1-based): chr10:87,076,634, C>T on the plus strand (G>A on the coding strand, the complement: GLUD1 is on the minus strand). VCF-style: chr10-87076634-C-T. GRCh37 (hg19) VCF-style: chr10-88836391-C-T.
Other names: c.468G>A (NM_005271.3); c.69G>A, p.Val23= (NM_001318900.1); c.-34G>A (NM_001318901.1, NM_001318902.1, NM_001318904.2 and 2 more transcripts).
Identifiers: ClinVar variation 745915 (VCV000745915.11), dbSNP rs780979729, ClinGen allele CA5587684.
Genomic context (GRCh38, chr10:87,076,634, plus strand): 5'-ACCAACCACTGCACACTTGTATGTCATCAGAGAAGCCAAAGCTTTTACTTCATCTACACT[C>T]ACATCAGTGCTGTAACGGATACCTGGTGGTGTTTTTAAAAAAATGTGTTGGGGTGGGTGA-3'
Protein context (NP_005262.1, residues 146-166): CKGGIRYSTD[Val156=]SVDEVKALAS